The following is an entry in ClinVar:

NM_058216.3(RAD51C):c.788A>G (p.Asn263Ser)

Gene: RAD51C (RAD51 paralog C; plus strand). Cytogenetic location: 17q22.
Variant type: single nucleotide variant.
Coding change: c.788A>G on transcript NM_058216.3 (MANE Select); coding-DNA position 788, A replaced by G.
Protein change: p.Asn263Ser; replaces asparagine 263 with serine.
Molecular consequence: missense variant. On other transcripts: non-coding transcript variant (1).
Genome position (GRCh38, 1-based): chr17:58,709,941, A>G. VCF-style: chr17-58709941-A-G. GRCh37 (hg19) VCF-style: chr17-56787302-A-G.
Other names: short protein forms N263S.
Identifiers: ClinVar variation 662201 (VCV000662201.10), dbSNP rs935771120, ClinGen allele CA292059449.

ClinVar aggregate classification (germline): Uncertain significance (1 of 4 stars; one submission).

Conditions:
Fanconi anemia complementation group O. Also called: RAD51C-Related Fanconi Anemia. Identifiers: Orphanet 84, MedGen C3150653, MONDO:0013248, OMIM 613390.

Submission:

Labcorp Genetics (formerly Invitae), Labcorp
Classification: Uncertain significance for Fanconi anemia complementation group O. Last evaluated: 2024-08-28. Review status: criteria provided, single submitter. Criteria: Invitae Variant Classification Sherloc (09022015). Collection method: clinical testing. Allele origin: germline.
Comment: This sequence change replaces asparagine, which is neutral and polar, with serine, which is neutral and polar, at codon 263 of the RAD51C protein (p.Asn263Ser). This variant is not present in population databases (gnomAD no frequency). This variant has not been reported in the literature in individuals affected with RAD51C-related conditions. ClinVar contains an entry for this variant (Variation ID: 662201). Invitae Evidence Modeling of protein sequence and biophysical properties (such as structural, functional, and spatial information, amino acid conservation, physicochemical variation, residue mobility, and thermodynamic stability) indicates that this missense variant is not expected to disrupt RAD51C protein function with a negative predictive value of 80%. RNA analysis performed to evaluate the impact of this missense change on mRNA splicing indicates it does not significantly alter splicing (internal data). In summary, the available evidence is currently insufficient to determine the role of this variant in disease. Therefore, it has been classified as a Variant of Uncertain Significance.